The following is an entry in ClinVar:

ClinVar aggregate classification (germline): Uncertain significance (1 of 4 stars; one submission).

Conditions:
Generalized epilepsy-paroxysmal dyskinesia syndrome (PNKD3). Also called: Generalized epilepsy and paroxysmal dyskinesia; Paroxysmal nonkinesigenic dyskinesia, 3, with or without generalized epilepsy. Identifiers: Orphanet 79137, MedGen C5574945, MONDO:0012276, OMIM 609446.

Submission:

Labcorp Genetics (formerly Invitae), Labcorp
Classification: Uncertain significance for Generalized epilepsy-paroxysmal dyskinesia syndrome. Last evaluated: 2022-10-31. Review status: criteria provided, single submitter. Criteria: Invitae Variant Classification Sherloc (09022015). Collection method: clinical testing. Allele origin: germline.
Comment: In summary, the available evidence is currently insufficient to determine the role of this variant in disease. Therefore, it has been classified as a Variant of Uncertain Significance. Algorithms developed to predict the effect of missense changes on protein structure and function are either unavailable or do not agree on the potential impact of this missense change (SIFT: "Deleterious"; PolyPhen-2: "Probably Damaging"; Align-GVGD: "Class C0"). This variant has not been reported in the literature in individuals affected with KCNMA1-related conditions. This variant is not present in population databases (gnomAD no frequency). This sequence change replaces leucine, which is neutral and non-polar, with histidine, which is basic and polar, at codon 107 of the KCNMA1 protein (p.Leu107His).

NM_001161352.2(KCNMA1):c.320T>A (p.Leu107His)

Gene: KCNMA1 (potassium calcium-activated channel subfamily M alpha 1; minus strand). Cytogenetic location: 10q22.3.
Variant type: single nucleotide variant.
Coding change: c.320T>A on transcript NM_001161352.2 (MANE Select); coding-DNA position 320, T replaced by A.
Protein change: p.Leu107His; replaces leucine 107 with histidine.
Molecular consequence: missense variant.
Genome position (GRCh38, 1-based): chr10:77,637,323, A>T on the plus strand (T>A on the coding strand, the complement: KCNMA1 is on the minus strand). VCF-style: chr10-77637323-A-T. GRCh37 (hg19) VCF-style: chr10-79397081-A-T.
Other names: c.320T>A, p.Leu107His (NM_001014797.3, NM_001161353.2, NM_001271518.2 and 13 more transcripts); short protein forms L107H.
Identifiers: ClinVar variation 2811078 (VCV002811078.3), dbSNP rs2552275298, ClinGen allele CA377412295.
Genomic context (GRCh38, chr10:77,637,323, plus strand): 5'-ACCTTCGTCTTGCCCCCGCAGTGGCAGCACACGGTCCACAGGTACTTGAGCGTCCGCCAG[A>T]GCAAGATGATGAAGAGGCCCCCGAAGAAAGTCACCATGGAGGAGGCCAGGAAAGCCCACC-3'
Protein context (NP_001154824.1, residues 97-117): TFFGGLFIIL[Leu107His]WRTLKYLWTV